The following is an entry in ClinVar:

NM_000143.4(FH):c.405T>G (p.His135Gln)

Gene: FH (fumarate hydratase; minus strand). Cytogenetic location: 1q43.
Variant type: single nucleotide variant.
Coding change: c.405T>G on transcript NM_000143.4 (MANE Select); coding-DNA position 405, T replaced by G.
Protein change: p.His135Gln; replaces histidine 135 with glutamine.
Molecular consequence: missense variant.
Genome position (GRCh38, 1-based): chr1:241,512,117, A>C on the plus strand (T>G on the coding strand, the complement: FH is on the minus strand). VCF-style: chr1-241512117-A-C. GRCh37 (hg19) VCF-style: chr1-241675417-A-C.
Other names: short protein forms H135Q.
Identifiers: ClinVar variation 940083 (VCV000940083.19), dbSNP rs1298815479, ClinGen allele CA345440175.
Genomic context (GRCh38, chr1:241,512,117, plus strand): 5'-TTCATTTACATTCATATTTGTCTGAGTTCCTGATCCAGTCTGCCATACCACGAGAGGAAA[A>C]TGATCATTTAATTTACCTTCAGCTACCTGCAGAAAAAATGTTAAAAATGTATTTTAAAAA-3'
Protein context (NP_000134.2, residues 125-145): DEVAEGKLND[His135Gln]FPLVVWQTGS

ClinVar aggregate classification (germline): Conflicting classifications of pathogenicity. Review status: criteria provided, conflicting classifications (1 of 4 stars). 5 submissions from 5 submitters: Likely pathogenic (1); Uncertain significance (3). 1 of the submissions does not count toward it. Last evaluated 2025-01-23.

Conditions:
Fumarase deficiency (FMRD). Also called: Fumarate Hydratase Deficiency; Fumaric aciduria. Identifiers: Orphanet 24, MedGen C0342770, MONDO:0011730, OMIM 606812.
Hereditary cancer-predisposing syndrome. Also called: Tumor predisposition; Hereditary neoplastic syndrome; Neoplastic Syndromes, Hereditary; Hereditary Cancer Syndrome. Identifiers: Orphanet 140162, MedGen C0027672, MeSH D009386, MONDO:0015356.

Allele frequency attached by ClinVar (database versions not stated): TOPMed below 0.00001; gnomAD exomes 0.00001.
gnomAD v4.1: 4 of 1,613,890 alleles (0.00025%); highest among the groups gnomAD compares: Admixed American, 0.0067%; no homozygotes.

Submissions (5):

Ambry Genetics
Classification: Uncertain significance for Hereditary cancer-predisposing syndrome. Last evaluated: 2025-01-23. Review status: criteria provided, single submitter. Criteria: Ambry Variant Classification Scheme 2023. Collection method: clinical testing. Allele origin: germline.
Comment: The p.H135Q variant (also known as c.405T>G), located in coding exon 4 of the FH gene, results from a T to G substitution at nucleotide position 405. The histidine at codon 135 is replaced by glutamine, an amino acid with highly similar properties. This amino acid position is highly conserved in available vertebrate species. In addition, this alteration is predicted to be deleterious by in silico analysis. Based on the available evidence, the clinical significance of this variant remains unclear.

Labcorp Genetics (formerly Invitae), Labcorp
Classification: Likely pathogenic. Last evaluated: 2024-05-21. Review status: criteria provided, single submitter. Criteria: Invitae Variant Classification Sherloc (09022015). Collection method: clinical testing. Allele origin: germline.
Comment: This sequence change replaces histidine, which is basic and polar, with glutamine, which is neutral and polar, at codon 135 of the FH protein (p.His135Gln). This variant is present in population databases (no rsID available, gnomAD 0.009%). This variant has not been reported in the literature in individuals affected with FH-related conditions. ClinVar contains an entry for this variant (Variation ID: 940083). Advanced modeling of protein sequence and biophysical properties (such as structural, functional, and spatial information, amino acid conservation, physicochemical variation, residue mobility, and thermodynamic stability) has been performed at Invitae for this missense variant, however the output from this modeling did not meet the statistical confidence thresholds required to predict the impact of this variant on FH protein function. This variant disrupts the p.His135 amino acid residue in FH. Other variant(s) that disrupt this residue have been determined to be pathogenic (PMID: 15761418, 30741757; Invitae). This suggests that this residue is clinically significant, and that variants that disrupt this residue are likely to be disease-causing. In summary, the currently available evidence indicates that the variant is pathogenic, but additional data are needed to prove that conclusively. Therefore, this variant has been classified as Likely Pathogenic.

GeneDx
Classification: Uncertain significance. Last evaluated: 2023-07-05. Review status: criteria provided, single submitter. Criteria: GeneDx Variant Classification Process June 2021. Collection method: clinical testing. Allele origin: germline. Affected: yes.
Comment: Not observed at significant frequency in large population cohorts (gnomAD); In silico analysis supports that this missense variant has a deleterious effect on protein structure/function; Has not been previously published as pathogenic or benign to our knowledge; This variant is associated with the following publications: (PMID: 15761418, 30741757)

Quest Diagnostics Nichols Institute San Juan Capistrano
Classification: Uncertain significance. Last evaluated: 2022-11-16. Review status: criteria provided, single submitter. Criteria: Quest Diagnostics criteria. Collection method: clinical testing. Allele origin: unknown.
Comment: The variant has not been reported in the published literature. The frequency of this variant in the general population, 0.000087 (3/34534 chromosomes), is uninformative in assessment of its pathogenicity. Analysis of this variant using a bioinformatics tool for the prediction of the effect of amino acid changes on protein structure and function yielded a prediction that this variant is deleterious. Based on the available information, we are unable to determine the clinical significance of this variant.

Natera, Inc.
Classification: Uncertain significance for Fumarase Deficiency. Last evaluated: 2020-05-14. Review status: no assertion criteria provided. Collection method: clinical testing. Allele origin: germline. Not counted in ClinVar's aggregate classification.

Literature cited by the submitters: PubMed 15761418 (cited by Labcorp Genetics (formerly Invitae), Labcorp); PubMed 30741757 (cited by Labcorp Genetics (formerly Invitae), Labcorp).